The following is an entry in ClinVar:

ClinVar aggregate classification (germline): Uncertain significance (1 of 4 stars; one submission).

gnomAD v4.1: 7 of 1,613,792 alleles (0.00043%); highest among the groups gnomAD compares: Non-Finnish European, 0.00059%; no homozygotes.

Submission:

Ambry Genetics
Classification: Uncertain significance. Last evaluated: 2025-06-17. Review status: criteria provided, single submitter. Criteria: Ambry Variant Classification Scheme 2023. Collection method: clinical testing. Allele origin: germline.
Comment: The p.K557E variant (also known as c.1669A>G), located in coding exon 13 of the GEN1 gene, results from an A to G substitution at nucleotide position 1669. The lysine at codon 557 is replaced by glutamic acid, an amino acid with similar properties. This amino acid position is conserved. In addition, this alteration is predicted to be tolerated by in silico analysis. Based on the available evidence, the clinical significance of this variant remains unclear.

NM_001130009.3(GEN1):c.1669A>G (p.Lys557Glu)

Gene: GEN1 (GEN1 Holliday junction 5' flap endonuclease; plus strand). Cytogenetic location: 2p24.2.
Variant type: single nucleotide variant.
Coding change: c.1669A>G on transcript NM_001130009.3 (MANE Select); coding-DNA position 1669, A replaced by G.
Protein change: p.Lys557Glu; replaces lysine 557 with glutamic acid.
Molecular consequence: missense variant.
Genome position (GRCh38, 1-based): chr2:17,780,881, A>G. VCF-style: chr2-17780881-A-G. GRCh37 (hg19) VCF-style: chr2-17962148-A-G.
Other names: c.1669A>G, p.Lys557Glu (NM_182625.5); short protein forms K557E.
Identifiers: ClinVar variation 4262979 (VCV004262979.1).